The following is an entry in ClinVar:

ClinVar aggregate classification (germline): Uncertain significance. Review status: criteria provided, multiple submitters, no conflicts (2 of 4 stars). 4 submissions from 4 submitters: Uncertain significance (4). Last evaluated 2025-06-04.

Conditions:
Hereditary cancer-predisposing syndrome. Also called: Hereditary Cancer Syndrome; Neoplastic Syndromes, Hereditary; Tumor predisposition; Hereditary neoplastic syndrome. Identifiers: Orphanet 140162, MedGen C0027672, MeSH D009386, MONDO:0015356.
Familial cancer of breast. Also called: BREAST CANCER, FAMILIAL; Hereditary breast cancer; hereditary breast carcinoma. Identifiers: Orphanet 227535, MedGen C0346153, MONDO:0016419, OMIM 114480. Disease mechanism: loss of function.
Fanconi anemia complementation group J. Also called: BRIP1-Related Fanconi Anemia. Identifiers: Orphanet 84, MedGen C1836860, MONDO:0012187, OMIM 609054.

Allele frequency attached by ClinVar (database versions not stated): gnomAD exomes below 0.00001.
gnomAD v4.1: 2 of 1,609,952 alleles (0.00012%); highest among the groups gnomAD compares: Non-Finnish European, 0.00017%; no homozygotes.

Submissions (4):

Labcorp Genetics (formerly Invitae), Labcorp
Classification: Uncertain significance for Familial cancer of breast; Fanconi anemia complementation group J. Last evaluated: 2025-06-04. Review status: criteria provided, single submitter. Criteria: Invitae Variant Classification Sherloc (09022015). Collection method: clinical testing. Allele origin: germline.
Comment: This sequence change replaces methionine, which is neutral and non-polar, with lysine, which is basic and polar, at codon 28 of the BRIP1 protein (p.Met28Lys). This variant is not present in population databases (gnomAD no frequency). This missense change has been observed in individual(s) with colorectal cancer (PMID: 28135145). ClinVar contains an entry for this variant (Variation ID: 186074). Invitae Evidence Modeling of protein sequence and biophysical properties (such as structural, functional, and spatial information, amino acid conservation, physicochemical variation, residue mobility, and thermodynamic stability) has been performed for this missense variant. However, the output from this modeling did not meet the statistical confidence thresholds required to predict the impact of this variant on BRIP1 protein function. In summary, the available evidence is currently insufficient to determine the role of this variant in disease. Therefore, it has been classified as a Variant of Uncertain Significance.

Ambry Genetics
Classification: Uncertain significance for Hereditary cancer-predisposing syndrome. Last evaluated: 2024-12-19. Review status: criteria provided, single submitter. Criteria: Ambry Variant Classification Scheme 2023. Collection method: clinical testing. Allele origin: germline.
Comment: The p.M28K variant (also known as c.83T>A), located in coding exon 1 of the BRIP1 gene, results from a T to A substitution at nucleotide position 83. The methionine at codon 28 is replaced by lysine, an amino acid with similar properties. This alteration was identified in an cohort of 1058 unselected individuals with colon cancer (Yurgelun MB et al. J. Clin. Oncol., 2017 Apr;35:1086-1095). This amino acid position is highly conserved in available vertebrate species. In addition, this alteration is predicted to be deleterious by in silico analysis. Based on the available evidence, the clinical significance of this variant remains unclear.

Women's Health and Genetics/Laboratory Corporation of America, LabCorp
Classification: Uncertain significance. Last evaluated: 2024-08-07. Review status: criteria provided, single submitter. Criteria: LabCorp Variant Classification Summary - May 2015. Collection method: clinical testing. Allele origin: germline.
Comment: Variant summary: BRIP1 c.83T>A (p.Met28Lys) results in a non-conservative amino acid change located in the Helicase-like, DEXD box c2 type domain (IPR006554) of the encoded protein sequence. Three of five in-silico tools predict a damaging effect of the variant on protein function. The variant was absent in 251200 control chromosomes. The available data on variant occurrences in the general population are insufficient to allow any conclusion about variant significance. c.83T>A has been reported in the literature as a VUS in settings of multigene panel testing in one individual in a cohort affected with colorectal cancer (example, Yurgelun_2017). These report(s) do not provide unequivocal conclusions about association of the variant with Autosomal Recessive Fanconi Anemia Complementation Group J or a BRIP1-associated cancer. To our knowledge, no experimental evidence demonstrating an impact on protein function has been reported. The following publication has been ascertained in the context of this evaluation (PMID: 28135145). ClinVar contains an entry for this variant (Variation ID: 186074). Based on the evidence outlined above, the variant was classified as uncertain significance.

Color Diagnostics, LLC DBA Color Health
Classification: Uncertain significance for Hereditary cancer-predisposing syndrome. Last evaluated: 2020-12-15. Review status: criteria provided, single submitter. Criteria: ACMG Guidelines, 2015. Collection method: clinical testing. Allele origin: germline.
Comment: This missense variant replaces methionine with lysine at codon 28 of the BRIP1 protein. Computational prediction is inconclusive regarding the impact of this variant on protein structure and function (internally defined REVEL score threshold 0.5 < inconclusive < 0.7, PMID: 27666373). To our knowledge, functional studies have not been reported for this variant. This variant has been reported in an individual affected with colorectal cancer (PMID: 28135145). This variant has not been identified in the general population by the Genome Aggregation Database (gnomAD). The available evidence is insufficient to determine the role of this variant in disease conclusively. Therefore, this variant is classified as a Variant of Uncertain Significance.

Literature cited by the submitters: PubMed 28135145 (cited by 3 submitters).

NM_032043.3(BRIP1):c.83T>A (p.Met28Lys)

Gene: BRIP1 (BRCA1 interacting DNA helicase 1; minus strand). Cytogenetic location: 17q23.2.
Variant type: single nucleotide variant.
Coding change: c.83T>A on transcript NM_032043.3 (MANE Select); coding-DNA position 83, T replaced by A.
Protein change: p.Met28Lys; replaces methionine 28 with lysine.
Molecular consequence: missense variant.
Genome position (GRCh38, 1-based): chr17:61,861,457, A>T on the plus strand (T>A on the coding strand, the complement: BRIP1 is on the minus strand). VCF-style: chr17-61861457-A-T. GRCh37 (hg19) VCF-style: chr17-59938818-A-T.
Other names: short protein forms M28K.
Identifiers: ClinVar variation 186074 (VCV000186074.21), dbSNP rs786202674, ClinGen allele CA193792.